The following is an entry in ClinVar:

ClinVar aggregate classification (germline): Uncertain significance (0 of 4 stars; one submission).

Conditions:
PKD1-related disorder. Also called: PKD1-related condition.

gnomAD v4.1: 29 of 1,611,004 alleles (0.0018%); highest among the groups gnomAD compares: Middle Eastern, 0.033%; no homozygotes.

Submission:

PreventionGenetics, part of Exact Sciences
Classification: Uncertain significance for PKD1-related condition. Last evaluated: 2024-07-13. Review status: no assertion criteria provided. Collection method: clinical testing. Allele origin: germline.
Comment: The PKD1 c.12607C>T variant is predicted to result in the amino acid substitution p.Arg4203Trp. To our knowledge, this variant has not been reported in the literature. This variant is reported in 0.0029% of alleles in individuals of Latino descent in gnomAD. At this time, the clinical significance of this variant is uncertain due to the absence of conclusive functional and genetic evidence.

NM_001009944.3(PKD1):c.12607C>T (p.Arg4203Trp)

Gene: PKD1 (polycystin 1, transient receptor potential channel interacting; minus strand). Cytogenetic location: 16p13.3.
Variant type: single nucleotide variant.
Coding change: c.12607C>T on transcript NM_001009944.3 (MANE Select); coding-DNA position 12607, C replaced by T.
Protein change: p.Arg4203Trp; replaces arginine 4203 with tryptophan.
Molecular consequence: missense variant.
Genome position (GRCh38, 1-based): chr16:2,090,032, G>A on the plus strand (C>T on the coding strand, the complement: PKD1 is on the minus strand). VCF-style: chr16-2090032-G-A. GRCh37 (hg19) VCF-style: chr16-2140033-G-A.
Other names: c.12604C>T, p.Arg4202Trp (NM_000296.4); short protein forms R4202W, R4203W.
Identifiers: ClinVar variation 3358132 (VCV003358132.1).